The following is an entry in ClinVar:

ClinVar aggregate classification (germline): Uncertain significance (1 of 4 stars; one submission).

Allele frequency attached by ClinVar (database versions not stated): gnomAD exomes below 0.00001; TOPMed below 0.00001; gnomAD 0.00001.
gnomAD v4.1: 2 of 1,613,924 alleles (0.00012%); highest among the groups gnomAD compares: Non-Finnish European, 0.000085%; no homozygotes.

Submission:

Labcorp Genetics (formerly Invitae), Labcorp
Classification: Uncertain significance. Last evaluated: 2022-10-24. Review status: criteria provided, single submitter. Criteria: Invitae Variant Classification Sherloc (09022015). Collection method: clinical testing. Allele origin: germline.
Comment: This sequence change replaces alanine, which is neutral and non-polar, with threonine, which is neutral and polar, at codon 416 of the CNGA1 protein (p.Ala416Thr). This variant is not present in population databases (gnomAD no frequency). This variant has not been reported in the literature in individuals affected with CNGA1-related conditions. Advanced modeling of protein sequence and biophysical properties (such as structural, functional, and spatial information, amino acid conservation, physicochemical variation, residue mobility, and thermodynamic stability) has been performed at Invitae for this missense variant, however the output from this modeling did not meet the statistical confidence thresholds required to predict the impact of this variant on CNGA1 protein function. In summary, the available evidence is currently insufficient to determine the role of this variant in disease. Therefore, it has been classified as a Variant of Uncertain Significance.

NM_001379270.1(CNGA1):c.1234G>A (p.Ala412Thr)

Genes: CNGA1 (cyclic nucleotide gated channel subunit alpha 1; minus strand), LOC101927157 (uncharacterized LOC101927157; plus strand). Cytogenetic location: 4p12.
Variant type: single nucleotide variant.
Coding change: c.1234G>A on transcript NM_001379270.1 (MANE Select); coding-DNA position 1234, G replaced by A.
Protein change: p.Ala412Thr; replaces alanine 412 with threonine.
Molecular consequence: missense variant.
Genome position (GRCh38, 1-based): chr4:47,937,248, C>T on the plus strand (G>A on the coding strand, the complement: CNGA1 is on the minus strand). VCF-style: chr4-47937248-C-T. GRCh37 (hg19) VCF-style: chr4-47939265-C-T.
Other names: c.1234G>A, p.Ala412Thr (NM_000087.5, NM_001142564.2); short protein forms A412T.
Identifiers: ClinVar variation 2093413 (VCV002093413.4), dbSNP rs1199253278, ClinGen allele CA356826462.
Genomic context (GRCh38, chr4:47,937,248, plus strand): 5'-TAATAACCCTCTTTTCCATATCTTTGCTTACATTTCGAAAATGCATATATTGCTTGATAG[C>T]ATCAATTCTTGCTTGAAATTCTGCTCTGGCTGCATTCATGTTGGAAATCATAGAACCTAT-3'
Protein context (NP_001366199.1, residues 402-422): ARAEFQARID[Ala412Thr]IKQYMHFRNV